The following is an entry in ClinVar:

NM_024408.4(NOTCH2):c.3529C>T (p.Pro1177Ser)

Gene: NOTCH2 (notch receptor 2; minus strand). Cytogenetic location: 1p12.
Variant type: single nucleotide variant.
Coding change: c.3529C>T on transcript NM_024408.4 (MANE Select); coding-DNA position 3529, C replaced by T.
Protein change: p.Pro1177Ser; replaces proline 1177 with serine.
Molecular consequence: missense variant.
Genome position (GRCh38, 1-based): chr1:119,935,598, G>A on the plus strand (C>T on the coding strand, the complement: NOTCH2 is on the minus strand). VCF-style: chr1-119935598-G-A. GRCh37 (hg19) VCF-style: chr1-120478221-G-A.
Other names: c.3529C>T, p.Pro1177Ser (NM_001200001.2); short protein forms P1177S.
Identifiers: ClinVar variation 4743575 (VCV004743575.1).

ClinVar aggregate classification (germline): Uncertain significance (1 of 4 stars; one submission).

Conditions:
Hajdu-Cheney syndrome (HJCYS). Also called: Acroosteolysis dominant type; SERPENTINE FIBULA-POLYCYSTIC KIDNEY SYNDROME; ACROOSTEOLYSIS WITH OSTEOPOROSIS AND CHANGES IN SKULL AND MANDIBLE. Identifiers: Orphanet 955, MedGen C0917715, MONDO:0007057, OMIM 102500.

gnomAD v4.1: 2 of 1,614,050 alleles (0.00012%); highest among the groups gnomAD compares: South Asian, 0.0011%; no homozygotes.

Submission:

Labcorp Genetics (formerly Invitae), Labcorp
Classification: Uncertain significance for Hajdu-Cheney syndrome. Last evaluated: 2025-10-01. Review status: criteria provided, single submitter. Criteria: Invitae Variant Classification Sherloc (09022015). Collection method: clinical testing. Allele origin: germline.
Comment: This sequence change replaces proline, which is neutral and non-polar, with serine, which is neutral and polar, at codon 1177 of the NOTCH2 protein (p.Pro1177Ser). This variant is not present in population databases (gnomAD no frequency). This variant has not been reported in the literature in individuals affected with NOTCH2-related conditions. Invitae Evidence Modeling of protein sequence and biophysical properties (such as structural, functional, and spatial information, amino acid conservation, physicochemical variation, residue mobility, and thermodynamic stability) indicates that this missense variant is not expected to disrupt NOTCH2 protein function with a negative predictive value of 80%. In summary, the available evidence is currently insufficient to determine the role of this variant in disease. Therefore, it has been classified as a Variant of Uncertain Significance.